The following is an entry in ClinVar:

NM_001365999.1(SZT2):c.3640C>T (p.Arg1214Ter)

Gene: SZT2 (SZT2 subunit of KICSTOR complex; plus strand). Cytogenetic location: 1p34.2.
Variant type: single nucleotide variant.
Coding change: c.3640C>T on transcript NM_001365999.1 (MANE Select); coding-DNA position 3640, C replaced by T.
Protein change: p.Arg1214Ter; replaces arginine 1214 with a stop codon.
Molecular consequence: nonsense.
Genome position (GRCh38, 1-based): chr1:43,427,571, C>T. VCF-style: chr1-43427571-C-T. GRCh37 (hg19) VCF-style: chr1-43893242-C-T.
Other names: c.3469C>T (NM_015284.3); c.3469C>T, p.Arg1157Ter (NM_015284.4); short protein forms R1157*, R1214*.
Identifiers: ClinVar variation 1410681 (VCV001410681.9), dbSNP rs761810492, ClinGen allele CA809052.
Genomic context (GRCh38, chr1:43,427,571, plus strand): 5'-TGACACCTTTTCTTCACAGACAATGCCCAGAATCAAGGAGAGCTAAGTCCACCATTCCGT[C>T]GAGACTTACAGGCTTACGCTGGGCGTCAGGCTTCCCAGACAGAGAGTGCGGATGGGCCCC-3'

ClinVar aggregate classification (germline): Pathogenic/Likely pathogenic. Review status: criteria provided, multiple submitters, no conflicts (2 of 4 stars). 5 submissions from 5 submitters: Pathogenic (1); Likely pathogenic (4). Last evaluated 2025-09-23.

Conditions:
Developmental and epileptic encephalopathy, 18 (DEE18). Also called: Early infantile epileptic encephalopathy 18. Identifiers: Orphanet 369894, MedGen C3809624, MONDO:0014201, OMIM 615476.

Allele frequency attached by ClinVar (database versions not stated): TOPMed 0.00001; gnomAD 0.00001; gnomAD exomes below 0.00001; ExAC 0.00001.
gnomAD v4.1: 7 of 1,614,076 alleles (0.00043%); highest among the groups gnomAD compares: African/African-American, 0.0013%; no homozygotes.

Submissions (5):

Labcorp Genetics (formerly Invitae), Labcorp
Classification: Pathogenic. Last evaluated: 2025-09-23. Review status: criteria provided, single submitter. Criteria: Invitae Variant Classification Sherloc (09022015). Collection method: clinical testing. Allele origin: germline.
Comment: This sequence change creates a premature translational stop signal (p.Arg1157*) in the SZT2 gene. It is expected to result in an absent or disrupted protein product. Loss-of-function variants in SZT2 are known to be pathogenic (PMID: 23932106, 27248490, 28556953). This variant is present in population databases (rs761810492, gnomAD 0.007%). This variant has not been reported in the literature in individuals affected with SZT2-related conditions. ClinVar contains an entry for this variant (Variation ID: 1410681). For these reasons, this variant has been classified as Pathogenic.

Variantyx, Inc.
Classification: Likely pathogenic for Developmental and epileptic encephalopathy, 18. Last evaluated: 2025-07-29. Review status: criteria provided, single submitter. Criteria: Variantyx Assertion Criteria 2022. Collection method: clinical testing. Allele origin: germline. Inheritance: Autosomal recessive inheritance.
Comment: This is a nonsense variant in the SZT2 gene (OMIM: 615463). Pathogenic variants in this gene have been associated with autosomal recessive developmental and epileptic encephalopathy 18. This variant introduces a premature termination codon in exon 26 out of 72. It is expected to result in loss of function, which is a known disease mechanism for SZT2 in this disorder (PMID: 23932106, 27248490, 28556953) (PVS1). This variant has a 0.0013% maximum allele frequency in non-founder control populations (PM2). Based on the current evidence, this variant is classified as likely pathogenic for autosomal recessive developmental and epileptic encephalopathy 18.

GeneDx
Classification: Likely pathogenic. Last evaluated: 2023-07-06. Review status: criteria provided, single submitter. Criteria: GeneDx Variant Classification Process June 2021. Collection method: clinical testing. Allele origin: germline. Affected: yes.
Comment: Nonsense variant predicted to result in protein truncation or nonsense mediated decay in a gene for which loss of function is a known mechanism of disease; Not observed at significant frequency in large population cohorts (gnomAD); Has not been previously published as pathogenic or benign to our knowledge

Genome-Nilou Lab
Classification: Likely pathogenic for Developmental and epileptic encephalopathy, 18. Last evaluated: 2023-04-11. Review status: criteria provided, single submitter. Criteria: ACMG Guidelines, 2015. Collection method: clinical testing. Allele origin: germline. Affected: no.

Fulgent Genetics
Classification: Likely pathogenic for Developmental and epileptic encephalopathy, 18. Last evaluated: 2021-12-28. Review status: criteria provided, single submitter. Criteria: ACMG Guidelines, 2015. Collection method: clinical testing. Allele origin: unknown.

Literature cited by the submitters: PubMed 23932106 (cited by Labcorp Genetics (formerly Invitae), Labcorp and Variantyx, Inc.); PubMed 27248490 (cited by Labcorp Genetics (formerly Invitae), Labcorp and Variantyx, Inc.); PubMed 28556953 (cited by Labcorp Genetics (formerly Invitae), Labcorp and Variantyx, Inc.).